The following is an entry in ClinVar:

ClinVar aggregate classification (germline): Conflicting classifications of pathogenicity. Review status: criteria provided, conflicting classifications (1 of 4 stars). 3 submissions from 3 submitters: Uncertain significance (2); Likely benign (1). Last evaluated 2024-11-14.

Conditions:
Inborn genetic diseases. Identifiers: MedGen C0950123, MeSH D030342.

Allele frequency attached by ClinVar (database versions not stated): 1000 Genomes Project 30x 0.00016; 1000 Genomes Project 0.00020; gnomAD 0.00052; ExAC 0.00065; TOPMed 0.00066; ESP Exome Variant Server 0.00074; gnomAD exomes 0.00101.
gnomAD v4.1: 1,546 of 1,614,124 alleles (0.096%); highest among the groups gnomAD compares: Non-Finnish European, 0.12%; 2 homozygotes.

Submissions (3):

Blueprint Genetics
Classification: Likely benign. Last evaluated: 2024-11-14. Review status: criteria provided, single submitter. Criteria: ACMG Guidelines, 2015. Collection method: clinical testing. Allele origin: germline.

Labcorp Genetics (formerly Invitae), Labcorp
Classification: Uncertain significance. Last evaluated: 2023-10-11. Review status: criteria provided, single submitter. Criteria: Invitae Variant Classification Sherloc (09022015). Collection method: clinical testing. Allele origin: germline.
Comment: This sequence change replaces threonine, which is neutral and polar, with alanine, which is neutral and non-polar, at codon 198 of the CPAMD8 protein (p.Thr198Ala). This variant is present in population databases (rs200785414, gnomAD 0.1%), and has an allele count higher than expected for a pathogenic variant. This variant has not been reported in the literature in individuals affected with CPAMD8-related conditions. ClinVar contains an entry for this variant (Variation ID: 2063805). Algorithms developed to predict the effect of missense changes on protein structure and function output the following: SIFT: "Not Available"; PolyPhen-2: "Benign"; Align-GVGD: "Not Available". The alanine amino acid residue is found in multiple mammalian species, which suggests that this missense change does not adversely affect protein function. In summary, the available evidence is currently insufficient to determine the role of this variant in disease. Therefore, it has been classified as a Variant of Uncertain Significance.

Ambry Genetics
Classification: Uncertain significance for Inborn genetic diseases. Last evaluated: 2021-07-06. Review status: criteria provided, single submitter. Criteria: Ambry Variant Classification Scheme 2023. Collection method: clinical testing. Allele origin: germline.

NM_015692.5(CPAMD8):c.451A>G (p.Thr151Ala)

Gene: CPAMD8 (C3 and PZP like alpha-2-macroglobulin domain containing 8; minus strand). Cytogenetic location: 19p13.11.
Variant type: single nucleotide variant.
Coding change: c.451A>G on transcript NM_015692.5 (MANE Select); coding-DNA position 451, A replaced by G.
Protein change: p.Thr151Ala; replaces threonine 151 with alanine.
Molecular consequence: missense variant. On other transcripts: non-coding transcript variant (1).
Genome position (GRCh38, 1-based): chr19:17,011,499, T>C on the plus strand (A>G on the coding strand, the complement: CPAMD8 is on the minus strand). VCF-style: chr19-17011499-T-C. GRCh37 (hg19) VCF-style: chr19-17122309-T-C.
Other names: short protein forms T151A.
Identifiers: ClinVar variation 2063805 (VCV002063805.4), dbSNP rs200785414, ClinGen allele CA9286146.
Genomic context (GRCh38, chr19:17,011,499, plus strand): 5'-CCGCGGTTTTAGAAGCTGATCTCACCTTCTCGTTGACAGGCCTCAGATTTGGAGAGACGG[T>C]GAAGATGCTTATGAGCACTAGAAGAAAGAAGAGAGGCGTGTGACACCTCCAGACCATGGC-3'
Protein context (NP_056507.3, residues 141-161): PQHRVLISIF[Thr151Ala]VSPNLRPVNE